The following is an entry in ClinVar:

NM_001164508.2(NEB):c.22642A>G (p.Lys7548Glu)

Genes: NEB (nebulin; minus strand), RIF1 (replication timing regulatory factor 1; plus strand). Cytogenetic location: 2q23.3.
Variant type: single nucleotide variant.
Coding change: c.22642A>G on transcript NM_001164508.2 (MANE Select); coding-DNA position 22642, A replaced by G.
Protein change: p.Lys7548Glu; replaces lysine 7548 with glutamic acid.
Molecular consequence: missense variant.
Genome position (GRCh38, 1-based): chr2:151,519,018, T>C on the plus strand (A>G on the coding strand, the complement: NEB is on the minus strand). VCF-style: chr2-151519018-T-C. GRCh37 (hg19) VCF-style: chr2-152375532-T-C.
Other names: c.22642A>G, p.Lys7548Glu (NM_001164507.2); c.22747A>G, p.Lys7583Glu (NM_001271208.2); c.17539A>G, p.Lys5847Glu (NM_004543.5); short protein forms K7583E, K7548E, K5847E.
Identifiers: ClinVar variation 465567 (VCV000465567.18), dbSNP rs201976154, ClinGen allele CA1906580.

ClinVar aggregate classification (germline): Conflicting classifications of pathogenicity. Review status: criteria provided, conflicting classifications (1 of 4 stars). 5 submissions from 5 submitters: Uncertain significance (2); Likely benign (1). 2 of the submissions do not count toward it. Last evaluated 2026-01-28.

Conditions:
NEB-related disorder. Also called: NEB-related condition; NEB-Related Disorders.
Nemaline myopathy 2 (NEM2). Also called: Nemaline myopathy 2, autosomal recessive. Identifiers: MedGen C1850569, MONDO:0009725, OMIM 256030.

Allele frequency attached by ClinVar (database versions not stated): ESP Exome Variant Server 0.00008; gnomAD 0.00011 and 0.00014; TOPMed 0.00012; gnomAD exomes 0.00016 and 0.00018; ExAC 0.00021.
gnomAD v4.1: 251 of 1,613,654 alleles (0.016%); highest among the groups gnomAD compares: Middle Eastern, 0.082%; no homozygotes.

Submissions (5):

Labcorp Genetics (formerly Invitae), Labcorp
Classification: Likely benign for Nemaline myopathy 2. Last evaluated: 2026-01-28. Review status: criteria provided, single submitter. Criteria: Invitae Variant Classification Sherloc (09022015). Collection method: clinical testing. Allele origin: germline.

GeneDx
Classification: Uncertain significance. Last evaluated: 2024-03-23. Review status: criteria provided, single submitter. Criteria: GeneDx Variant Classification Process June 2021. Collection method: clinical testing. Allele origin: germline. Affected: yes.
Comment: In silico analysis supports that this missense variant does not alter protein structure/function; Has not been previously published as pathogenic or benign to our knowledge

Illumina Laboratory Services, Illumina
Classification: Uncertain significance for Nemaline myopathy 2. Last evaluated: 2017-04-28. Review status: criteria provided, single submitter. Criteria: ICSL Variant Classification Criteria 13 December 2019. Collection method: clinical testing. Allele origin: germline.

PreventionGenetics, part of Exact Sciences
Classification: Uncertain significance for NEB-related condition. Last evaluated: 2024-01-12. Review status: no assertion criteria provided. Collection method: clinical testing. Allele origin: germline. Not counted in ClinVar's aggregate classification.
Comment: The NEB c.22747A>G variant is predicted to result in the amino acid substitution p.Lys7583Glu. To our knowledge, this variant has not been reported in the literature. This variant is reported in 0.028% of alleles in individuals of European (Non-Finnish) descent in gnomAD. At this time, the clinical significance of this variant is uncertain due to the absence of conclusive functional and genetic evidence.

Natera, Inc.
Classification: Uncertain significance for Nemaline myopathy type 2. Last evaluated: 2019-11-11. Review status: no assertion criteria provided. Collection method: clinical testing. Allele origin: germline. Not counted in ClinVar's aggregate classification.